The following is an entry in ClinVar:

NM_001164277.2(SLC37A4):c.195dup (p.Val66fs)

Gene: SLC37A4 (solute carrier family 37 member 4; minus strand). Cytogenetic location: 11q23.3.
Variant type: Duplication.
Coding change: c.195dup on transcript NM_001164277.2 (MANE Select); coding-DNA position 195, one base duplicated (T; older notation c.195dupT).
Protein change: p.Val66fs; shifts the reading frame from valine 66.
Molecular consequence: frameshift variant. On other transcripts: 5 prime UTR variant (1).
Genome position (GRCh38, 1-based): chr11:119,028,380, A duplicated on the plus strand (T on the coding strand, the reverse complement: SLC37A4 is on the minus strand); the first of 3 consecutive A bases (chr11:119,028,380-119,028,382); duplicating any one gives the same sequence. VCF-style (leftmost placement, unchanged base first): chr11-119028379-C-CA. GRCh37 (hg19) VCF-style: chr11-118899089-C-CA.
Other names: c.195dup, p.Val66fs (NM_001164278.2, NM_001164280.2, NM_001467.6); c.-25dup (NM_001164279.2); short protein forms V66fs.
Identifiers: ClinVar variation 2678953 (VCV002678953.5), dbSNP rs2497033380, ClinGen allele CA477127719.
Genomic context (GRCh38, chr11:119,028,379, plus strand): 5'-GGAGCAGCCCAGAAGAGAAGAGCCAGCGAGCACTCATCTGGTCAGACAGCACCCCACTGA[C>CA]AAACTTGCTGATAGCATAAGCTGCCGACTGGCTGCTGGTGATGAACCCTGCAGGGAACAT-3'

ClinVar aggregate classification (germline): Pathogenic/Likely pathogenic. Review status: criteria provided, multiple submitters, no conflicts (2 of 4 stars). 3 submissions from 3 submitters: Pathogenic (2); Likely pathogenic (1). Last evaluated 2025-07-24.

Conditions:
Glucose-6-phosphate transport defect (GSD1B). Also called: Glycogen Storage Disease Type Ib; GSD Ib. Identifiers: Orphanet 364, Orphanet 79259, MedGen C0268146, MONDO:0009288, OMIM 232220.
Glycogen storage disease, type I. Identifiers: Orphanet 364, MedGen C0017920, MONDO:0002413.

Submissions (3):

Myriad Genetics, Inc.
Classification: Pathogenic for Glycogen storage disease, type I. Last evaluated: 2025-07-24. Review status: criteria provided, single submitter. Criteria: Myriad Autosomal Dominant, Autosomal Recessive and X-Linked Classification Criteria (2023). Collection method: clinical testing. Allele origin: unknown.
Comment: NM_001164277.1(SLC37A4):c.195dupT(V66Cfs*7) is a frameshift variant classified as pathogenic in the context of glycogen storage disease type Ib. V66Cfs*7 has not been observed in cases with relevant disease. Relevant functional assessments of this variant are not available in the literature. V66Cfs*7 has not been observed in referenced population frequency databases. In summary, NM_001164277.1(SLC37A4):c.195dupT(V66Cfs*7) is a frameshift variant in a gene where loss of function is a known mechanism of disease and is predicted to disrupt protein function. Please note: this variant was assessed in the context of healthy population screening.

Baylor Genetics
Classification: Likely pathogenic for Glucose-6-phosphate transport defect. Last evaluated: 2023-05-31. Review status: criteria provided, single submitter. Criteria: ACMG Guidelines, 2015. Collection method: clinical testing. Allele origin: unknown.

Labcorp Genetics (formerly Invitae), Labcorp
Classification: Pathogenic for Glucose-6-phosphate transport defect. Last evaluated: 2023-01-28. Review status: criteria provided, single submitter. Criteria: Invitae Variant Classification Sherloc (09022015). Collection method: clinical testing. Allele origin: germline.
Comment: For these reasons, this variant has been classified as Pathogenic. This variant has not been reported in the literature in individuals affected with SLC37A4-related conditions. This variant is not present in population databases (gnomAD no frequency). This sequence change creates a premature translational stop signal (p.Val66Cysfs*7) in the SLC37A4 gene. It is expected to result in an absent or disrupted protein product. Loss-of-function variants in SLC37A4 are known to be pathogenic (PMID: 9758626, 10940311).

Literature cited by the submitters: PubMed 9758626 (cited by Labcorp Genetics (formerly Invitae), Labcorp); PubMed 10940311 (cited by Labcorp Genetics (formerly Invitae), Labcorp).